The following is an entry in ClinVar:

ClinVar aggregate classification (germline): Pathogenic (1 of 4 stars; one submission).

Allele frequency attached by ClinVar (database versions not stated): gnomAD exomes below 0.00001; TOPMed 0.00001.
gnomAD v4.1: 2 of 1,611,744 alleles (0.00012%); highest among the groups gnomAD compares: African/African-American, 0.0013%; no homozygotes.

Submission:

Labcorp Genetics (formerly Invitae), Labcorp
Classification: Pathogenic. Last evaluated: 2023-12-22. Review status: criteria provided, single submitter. Criteria: Invitae Variant Classification Sherloc (09022015). Collection method: clinical testing. Allele origin: germline.
Comment: This sequence change creates a premature translational stop signal (p.Gln139*) in the MED17 gene. It is expected to result in an absent or disrupted protein product. Loss-of-function variants in MED17 are known to be pathogenic (PMID: 20950787, 26004231, 30345598). This variant is not present in population databases (gnomAD no frequency). This variant has not been reported in the literature in individuals affected with MED17-related conditions. ClinVar contains an entry for this variant (Variation ID: 2042198). Algorithms developed to predict the effect of sequence changes on RNA splicing suggest that this variant may disrupt the consensus splice site. For these reasons, this variant has been classified as Pathogenic.

Literature cited by the submitters: PubMed 20950787; PubMed 26004231; PubMed 30345598.

NM_004268.5(MED17):c.415C>T (p.Gln139Ter)

Gene: MED17 (mediator complex subunit 17; plus strand). Cytogenetic location: 11q21.
Variant type: single nucleotide variant.
Coding change: c.415C>T on transcript NM_004268.5 (MANE Select); coding-DNA position 415, C replaced by T.
Protein change: p.Gln139Ter; replaces glutamine 139 with a stop codon.
Molecular consequence: nonsense.
Genome position (GRCh38, 1-based): chr11:93,788,165, C>T. VCF-style: chr11-93788165-C-T. GRCh37 (hg19) VCF-style: chr11-93521331-C-T.
Other names: short protein forms Q139*.
Identifiers: ClinVar variation 2042198 (VCV002042198.4), dbSNP rs1943789103, ClinGen allele CA382390743.